The following is an entry in ClinVar:

NM_020975.6(RET):c.643C>T (p.Arg215Cys)

Gene: RET (ret proto-oncogene; plus strand). Cytogenetic location: 10q11.21.
Variant type: single nucleotide variant.
Coding change: c.643C>T on transcript NM_020975.6 (MANE Select); coding-DNA position 643, C replaced by T.
Protein change: p.Arg215Cys; replaces arginine 215 with cysteine.
Molecular consequence: missense variant. On other transcripts: 5 prime UTR variant (1), intron variant (22).
Genome position (GRCh38, 1-based): chr10:43,104,969, C>T. VCF-style: chr10-43104969-C-T. GRCh37 (hg19) VCF-style: chr10-43600417-C-T.
Other names: c.643C>T, p.Arg215Cys (NM_000323.2, NM_001406743.1, NM_001406744.1 and 8 more transcripts); c.-120C>T (NM_001355216.2); c.514C>T, p.Arg172Cys (NM_001406761.1, NM_001406762.1, NM_001406764.1 and 2 more transcripts); c.355C>T, p.Arg119Cys (NM_001406766.1, NM_001406767.1, NM_001406770.1); c.625+2340C>T (NM_001406773.1, NM_001406771.1, NM_001406782.1 and 5 more transcripts); c.496+2340C>T (NM_001406786.1, NM_001406783.1); c.338-4062C>T (NM_001406778.1, NM_001406775.1, NM_001406776.1 and 1 more transcripts); c.337+4247C>T (NM_001406790.1, NM_001406788.1, NM_001406789.1 and 1 more transcripts); and 2 more; short protein forms R119C, R172C, R215C.
Identifiers: ClinVar variation 3070928 (VCV003070928.2), dbSNP rs1320902245, ClinGen allele CA376544328.

ClinVar aggregate classification (germline): Conflicting classifications of pathogenicity. Review status: criteria provided, conflicting classifications (1 of 4 stars). 2 submissions from 2 submitters: Uncertain significance (1); Likely benign (1). Last evaluated 2024-06-27.

Conditions:
Hereditary cancer-predisposing syndrome. Also called: Hereditary neoplastic syndrome; Hereditary Cancer Syndrome; Neoplastic Syndromes, Hereditary; Tumor predisposition. Identifiers: Orphanet 140162, MedGen C0027672, MeSH D009386, MONDO:0015356.
Multiple endocrine neoplasia, type 2 (MEN2). Identifiers: Orphanet 653, MedGen C4048306, MONDO:0019003. Disease mechanism: gain of function.

Submissions (2):

Ambry Genetics
Classification: Likely benign for Hereditary cancer-predisposing syndrome. Last evaluated: 2024-06-27. Review status: criteria provided, single submitter. Criteria: Ambry Variant Classification Scheme 2023. Collection method: clinical testing. Allele origin: germline.

All of Us Research Program, National Institutes of Health
Classification: Uncertain significance for Multiple endocrine neoplasia, type 2. Last evaluated: 2023-12-01. Review status: criteria provided, single submitter. Criteria: ACMG Guidelines, 2015. Collection method: clinical testing. Allele origin: germline. Inheritance: Autosomal dominant inheritance. Observed: 2 variant alleles, 2 heterozygotes.
Comment: This study involves interpretation of variants in research participants for the purpose of population health screening. Participant phenotype was not available at the time of variant classification. Additional details can be found in publication PMID: 35346344, PMCID: PMC8962531